The following is an entry in ClinVar:

ClinVar aggregate classification (germline): Uncertain significance (1 of 4 stars; one submission).

Conditions:
Dilated cardiomyopathy 1JJ (CMD1JJ). Identifiers: Orphanet 154, MedGen C3808935, MONDO:0014095, OMIM 615235.

Submission:

Labcorp Genetics (formerly Invitae), Labcorp
Classification: Uncertain significance for Dilated cardiomyopathy 1JJ. Last evaluated: 2020-02-02. Review status: criteria provided, single submitter. Criteria: Invitae Variant Classification Sherloc (09022015). Collection method: clinical testing. Allele origin: germline.
Comment: In summary, the available evidence is currently insufficient to determine the role of this variant in disease. Therefore, it has been classified as a Variant of Uncertain Significance. Algorithms developed to predict the effect of missense changes on protein structure and function are either unavailable or do not agree on the potential impact of this missense change (SIFT: "Deleterious"; PolyPhen-2: "Benign"; Align-GVGD: "Class C0"). This variant has not been reported in the literature in individuals with LAMA4-related conditions. This variant is not present in population databases (ExAC no frequency). This sequence change replaces isoleucine with methionine at codon 1604 of the LAMA4 protein (p.Ile1604Met). The isoleucine residue is weakly conserved and there is a small physicochemical difference between isoleucine and methionine.

NM_001105206.3(LAMA4):c.4833C>G (p.Ile1611Met)

Gene: LAMA4 (laminin subunit alpha 4; minus strand). Cytogenetic location: 6q21.
Variant type: single nucleotide variant.
Coding change: c.4833C>G on transcript NM_001105206.3 (MANE Select); coding-DNA position 4833, C replaced by G.
Protein change: p.Ile1611Met; replaces isoleucine 1611 with methionine.
Molecular consequence: missense variant.
Genome position (GRCh38, 1-based): chr6:112,117,887, G>C on the plus strand (C>G on the coding strand, the complement: LAMA4 is on the minus strand). VCF-style: chr6-112117887-G-C. GRCh37 (hg19) VCF-style: chr6-112439090-G-C.
Other names: c.4812C>G, p.Ile1604Met (NM_001105207.3, NM_002290.5); short protein forms I1604M, I1611M.
Identifiers: ClinVar variation 1008689 (VCV001008689.9), dbSNP rs1554324564, ClinGen allele CA365366990.